The following is an entry in ClinVar:

ClinVar aggregate classification (germline): Uncertain significance (1 of 4 stars; one submission).

Submission:

GeneDx
Classification: Uncertain significance. Last evaluated: 2023-12-25. Review status: criteria provided, single submitter. Criteria: GeneDx Variant Classification Process June 2021. Collection method: clinical testing. Allele origin: germline. Affected: yes.
Comment: Not observed at significant frequency in large population cohorts (gnomAD); In silico analysis supports that this missense variant has a deleterious effect on protein structure/function; Has not been previously published as pathogenic or benign to our knowledge

NM_001244008.2(KIF1A):c.4402C>T (p.Arg1468Trp)

Gene: KIF1A (kinesin family member 1A; minus strand). Cytogenetic location: 2q37.3.
Variant type: single nucleotide variant.
Coding change: c.4402C>T on transcript NM_001244008.2 (MANE Select); coding-DNA position 4402, C replaced by T.
Protein change: p.Arg1468Trp; replaces arginine 1468 with tryptophan.
Molecular consequence: missense variant.
Genome position (GRCh38, 1-based): chr2:240,723,475, G>A on the plus strand (C>T on the coding strand, the complement: KIF1A is on the minus strand). VCF-style: chr2-240723475-G-A. GRCh37 (hg19) VCF-style: chr2-241662892-G-A.
Other names: c.4126C>T, p.Arg1376Trp (NM_001320705.2, NM_001379649.1); c.4153C>T, p.Arg1385Trp (NM_001330289.2); c.4201C>T, p.Arg1401Trp (NM_001330290.2, NM_001379648.1); c.4477C>T, p.Arg1493Trp (NM_001379631.1); c.4378C>T, p.Arg1460Trp (NM_001379632.1); c.4375C>T, p.Arg1459Trp (NM_001379633.1, NM_001379645.1); c.4228C>T, p.Arg1410Trp (NM_001379634.1); c.4225C>T, p.Arg1409Trp (NM_001379635.1, NM_001379646.1); and 7 more; short protein forms R1366W, R1367W, R1375W, R1376W, R1384W, R1385W, R1392W, R1401W.
Identifiers: ClinVar variation 3370126 (VCV003370126.1).
Genomic context (GRCh38, chr2:240,723,475, plus strand): 5'-CCTGCAGGAGGCTCAGCTTCTCCAGCTCCCACTGGTGGTCCAGAATGAGACTGTCACTCC[G>A]GGGCCTCCAGCCTGCCAGGTTCTCCTCGCCCCGGACATAGGCCACAGATGTGTCCAGGAC-3'
Protein context (NP_001230937.1, residues 1458-1478): GEENLAGWRP[Arg1468Trp]SDSLILDHQW